The following is an entry in ClinVar:

NM_207346.3(TSEN54):c.1068C>A (p.His356Gln)

Gene: TSEN54 (tRNA splicing endonuclease subunit 54; plus strand). Cytogenetic location: 17q25.1.
Variant type: single nucleotide variant.
Coding change: c.1068C>A on transcript NM_207346.3 (MANE Select); coding-DNA position 1068, C replaced by A.
Protein change: p.His356Gln; replaces histidine 356 with glutamine.
Molecular consequence: missense variant.
Genome position (GRCh38, 1-based): chr17:75,522,149, C>A. VCF-style: chr17-75522149-C-A. GRCh37 (hg19) VCF-style: chr17-73518230-C-A.
Other names: c.1068C>A (NM_207346.2); short protein forms H356Q.
Identifiers: ClinVar variation 2415910 (VCV002415910.3), dbSNP rs774893413, ClinGen allele CA8764338.
Genomic context (GRCh38, chr17:75,522,149, plus strand): 5'-CTGGTGCCAGAAGCTGAACCAGCGCAAGGAGAAGCTCTCCAGGCGGGAACGGGAGCACCA[C>A]GCGGAGGCCGCGCAGTTCCAGGAAGATGTCAACGCCGATCCCGAGGTGCAGCGGTGCTCC-3'
Protein context (NP_997229.2, residues 346-366): EKLSRREREH[His356Gln]AEAAQFQEDV

ClinVar aggregate classification (germline): Uncertain significance. Review status: criteria provided, single submitter (1 of 4 stars). 2 submissions from 2 submitters: Uncertain significance (1). 1 of the submissions does not count toward it. Last evaluated 2022-02-05.

Conditions:
TSEN54-related disorder. Also called: TSEN54-related condition.

Allele frequency attached by ClinVar (database versions not stated): ExAC 0.00004.

Submissions (2):

Labcorp Genetics (formerly Invitae), Labcorp
Classification: Uncertain significance. Last evaluated: 2022-02-05. Review status: criteria provided, single submitter. Criteria: Invitae Variant Classification Sherloc (09022015). Collection method: clinical testing. Allele origin: germline.
Comment: This sequence change replaces histidine, which is basic and polar, with glutamine, which is neutral and polar, at codon 356 of the TSEN54 protein (p.His356Gln). The frequency data for this variant in the population databases is considered unreliable, as metrics indicate poor data quality at this position in the gnomAD database. This variant has not been reported in the literature in individuals affected with TSEN54-related conditions. Algorithms developed to predict the effect of missense changes on protein structure and function output the following: SIFT: "Tolerated"; PolyPhen-2: "Benign"; Align-GVGD: "Class C0". The glutamine amino acid residue is found in multiple mammalian species, which suggests that this missense change does not adversely affect protein function. In summary, the available evidence is currently insufficient to determine the role of this variant in disease. Therefore, it has been classified as a Variant of Uncertain Significance.

PreventionGenetics, part of Exact Sciences
Classification: Uncertain significance for TSEN54-related condition. Last evaluated: 2024-08-30. Review status: no assertion criteria provided. Collection method: clinical testing. Allele origin: germline. Not counted in ClinVar's aggregate classification.
Comment: The TSEN54 c.1068C>A variant is predicted to result in the amino acid substitution p.His356Gln. To our knowledge, this variant has not been reported in the literature. This variant is reported in 0.0015% of alleles in individuals of European (Non-Finnish) descent in gnomAD. At this time, the clinical significance of this variant is uncertain due to the absence of conclusive functional and genetic evidence.